The following is an entry in ClinVar:

NM_004606.5(TAF1):c.4938+3G>A

Gene: TAF1 (TATA-box binding protein associated factor 1; plus strand). Cytogenetic location: Xq13.1.
Variant type: single nucleotide variant.
Coding change: c.4938+3G>A on transcript NM_004606.5 (MANE Select); 3 bases into the intron after coding-DNA position 4938, G replaced by A.
Molecular consequence: intron variant.
Genome position (GRCh38, 1-based): chrX:71,454,860, G>A. VCF-style: chrX-71454860-G-A. GRCh37 (hg19) VCF-style: chrX-70674710-G-A.
Other names: c.4938+3G>A (NM_001286074.2); c.4875+3G>A (NM_138923.4).
Identifiers: ClinVar variation 2725193 (VCV002725193.3), dbSNP rs763922315, ClinGen allele CA10447281.

ClinVar aggregate classification (germline): Uncertain significance (1 of 4 stars; one submission).

Allele frequency attached by ClinVar (database versions not stated): gnomAD exomes below 0.00001; ExAC 0.00001; gnomAD 0.00001; TOPMed 0.00001.
gnomAD v4.1: 7 of 1,202,096 alleles (0.00058%); highest among the groups gnomAD compares: Non-Finnish European, 0.00067%; no homozygotes.

Submission:

Labcorp Genetics (formerly Invitae), Labcorp
Classification: Uncertain significance. Last evaluated: 2022-12-04. Review status: criteria provided, single submitter. Criteria: Invitae Variant Classification Sherloc (09022015). Collection method: clinical testing. Allele origin: germline.
Comment: In summary, the available evidence is currently insufficient to determine the role of this variant in disease. Therefore, it has been classified as a Variant of Uncertain Significance. Variants that disrupt the consensus splice site are a relatively common cause of aberrant splicing (PMID: 17576681, 9536098). Algorithms developed to predict the effect of sequence changes on RNA splicing suggest that this variant is not likely to affect RNA splicing. This variant has not been reported in the literature in individuals affected with TAF1-related conditions. This variant is present in population databases (rs763922315, gnomAD 0.001%). This sequence change falls in intron 34 of the TAF1 gene. It does not directly change the encoded amino acid sequence of the TAF1 protein. It affects a nucleotide within the consensus splice site.

Literature cited by the submitters: PubMed 17576681; PubMed 9536098.